The following is an entry in ClinVar:

ClinVar aggregate classification (germline): Likely pathogenic. Review status: criteria provided, single submitter (1 of 4 stars). 3 submissions from 3 submitters: Likely pathogenic (1). 2 of the submissions do not count toward it. Last evaluated 2016-02-22.

Conditions:
Abnormal heart morphology. Also called: Abnormality of cardiac morphology; Heart, malformation of. Identifiers: MedGen C0018798, MeSH D006330, HP:0001627.
Intellectual developmental disorder, X-linked, syndromic 33. Also called: Intellectual disability, X-linked, syndromic 33; X-linked intellectual disability-global development delay-facial dysmorphism-sacral caudal remnant syndrome. Identifiers: Orphanet 480907, MedGen C4225418, MONDO:0010500, OMIM 300966.

Submissions (3):

GeneDx
Classification: Likely pathogenic. Last evaluated: 2016-02-22. Review status: criteria provided, single submitter. Criteria: GeneDx Variant Classification (06012015). Collection method: clinical testing. Allele origin: germline. Affected: yes.
Comment: The S985F variant in the TAF1 gene has not been reported previously as a pathogenic variant, nor asa benign variant, to our knowledge. The S985F variant was not observed in approximately 6300individuals of European and African American ancestry in the NHLBI Exome Sequencing Project,indicating it is not a common benign variant in these populations. The S985F variant is anon-conservative amino acid substitution, which is likely to impact secondary protein structure asthese residues differ in polarity, charge, size and/or other properties. This substitution occurs at aposition that is conserved across species and in silico analysis predicts this variant is probablydamaging to the protein structure/function. The S985F variant is a strong candidate for a pathogenic variant.

Yale Center for Mendelian Genomics, Yale University
Classification: association for Abnormal heart morphology. Last evaluated: 2020-06-13. Review status: no assertion criteria provided. Collection method: literature only. Allele origin: de novo. Affected: yes. Observed: 1 heterozygote. Study: Yale Center for Mendelian Genomics. Not counted in ClinVar's aggregate classification.

Genome Medicine, Institute for Basic Research in Developmental Disabilities
Classification: Likely pathogenic for Intellectual developmental disorder, X-linked, syndromic 33. Last evaluated: 2019-09-23. Review status: no assertion criteria provided. Collection method: clinical testing. Allele origin: de novo. Affected: yes. Not counted in ClinVar's aggregate classification.

Literature cited by the submitters: PubMed 32396742 (cited by Yale Center for Mendelian Genomics, Yale University).

NM_004606.5(TAF1):c.2894C>T (p.Ser965Phe)

Gene: TAF1 (TATA-box binding protein associated factor 1; plus strand). Cytogenetic location: Xq13.1.
Variant type: single nucleotide variant.
Coding change: c.2894C>T on transcript NM_004606.5 (MANE Select); coding-DNA position 2894, C replaced by T.
Protein change: p.Ser965Phe; replaces serine 965 with phenylalanine.
Molecular consequence: missense variant. On other transcripts: non-coding transcript variant (9).
Genome position (GRCh38, 1-based): chrX:71,392,681, C>T. VCF-style: chrX-71392681-C-T. GRCh37 (hg19) VCF-style: chrX-70612531-C-T.
Other names: c.2894C>T, p.Ser965Phe (NM_001286074.2); c.2831C>T, p.Ser944Phe (NM_138923.4); short protein forms S985F, S944F, S965F.
Identifiers: ClinVar variation 372844 (VCV000372844.5), dbSNP rs1057518019, ClinGen allele CA16043305.